The following is an entry in ClinVar:

ClinVar aggregate classification (germline): Uncertain significance (1 of 4 stars; one submission).

Conditions:
Pitt-Hopkins-like syndrome 2 (PTHSL2). Identifiers: Orphanet 221150, Orphanet 600663, MedGen C3280479, MONDO:0013690, OMIM 614325.

Allele frequency attached by ClinVar (database versions not stated): gnomAD exomes below 0.00001; TOPMed 0.00001.
gnomAD v4.1: 2 of 1,566,772 alleles (0.00013%); highest among the groups gnomAD compares: African/African-American, 0.0027%; no homozygotes.

Submission:

Labcorp Genetics (formerly Invitae), Labcorp
Classification: Uncertain significance for Pitt-Hopkins-like syndrome 2. Last evaluated: 2023-06-24. Review status: criteria provided, single submitter. Criteria: Invitae Variant Classification Sherloc (09022015). Collection method: clinical testing. Allele origin: germline.
Comment: This sequence change replaces aspartic acid, which is acidic and polar, with asparagine, which is neutral and polar, at codon 650 of the NRXN1 protein (p.Asp650Asn). This variant is not present in population databases (gnomAD no frequency). In summary, the available evidence is currently insufficient to determine the role of this variant in disease. Therefore, it has been classified as a Variant of Uncertain Significance. An algorithm developed to predict the effect of missense changes on protein structure and function (PolyPhen-2) suggests that this variant is likely to be disruptive. This variant has not been reported in the literature in individuals affected with NRXN1-related conditions.

NM_001330078.2(NRXN1):c.1828G>A (p.Asp610Asn)

Gene: NRXN1 (neurexin 1; minus strand). Cytogenetic location: 2p16.3.
Variant type: single nucleotide variant.
Coding change: c.1828G>A on transcript NM_001330078.2 (MANE Select); coding-DNA position 1828, G replaced by A.
Protein change: p.Asp610Asn; replaces aspartic acid 610 with asparagine.
Molecular consequence: missense variant.
Genome position (GRCh38, 1-based): chr2:50,538,568, C>T on the plus strand (G>A on the coding strand, the complement: NRXN1 is on the minus strand). VCF-style: chr2-50538568-C-T. GRCh37 (hg19) VCF-style: chr2-50765706-C-T.
Other names: c.1948G>A, p.Asp650Asn (NM_001135659.3); c.1804G>A, p.Asp602Asn (NM_001330077.2, NM_001330082.2, NM_001330095.2); c.1789G>A, p.Asp597Asn (NM_001330083.2, NM_001330084.2); c.1828G>A, p.Asp610Asn (NM_001330085.2, NM_001330086.2, NM_004801.6); c.1744G>A, p.Asp582Asn (NM_001330087.2, NM_001330096.2); c.1774G>A, p.Asp592Asn (NM_001330088.2); c.1825G>A, p.Asp609Asn (NM_001330093.2); c.1816G>A, p.Asp606Asn (NM_001330094.2); short protein forms D582N, D606N, D650N, D597N, D610N, D602N, D592N, D609N.
Identifiers: ClinVar variation 2964097 (VCV002964097.3), dbSNP rs1042014071, ClinGen allele CA47319622.
Genomic context (GRCh38, chr2:50,538,568, plus strand): 5'-CGGTGGGGAAGACAAGGCCAGCTTTATTTTCTGGCAGCCCCCCCAGGTACAACTCATCAT[C>T]CAGGTCCAGAATCTCACTCTCACCAGGAGCAGTGTAGGGAGTACGCAACGTGTTGACAGA-3'
Protein context (NP_001317007.1, residues 600-620): APGESEILDL[Asp610Asn]DELYLGGLPE